The following is an entry in ClinVar:

ClinVar aggregate classification (germline): Pathogenic/Likely pathogenic. Review status: criteria provided, multiple submitters, no conflicts (2 of 4 stars). 2 submissions from 2 submitters: Pathogenic (1); Likely pathogenic (1). Last evaluated 2022-04-12.

Conditions:
Deficiency of acetyl-CoA acetyltransferase. Also called: Beta-ketothiolase deficiency; MITOCHONDRIAL ACETOACETYL-CoA THIOLASE DEFICIENCY; 3-KETOTHIOLASE DEFICIENCY; 3-OXOTHIOLASE DEFICIENCY. Identifiers: Orphanet 134, MedGen C1536500, MONDO:0008760, OMIM 203750. Disease mechanism: loss of function.

Submissions (2):

Labcorp Genetics (formerly Invitae), Labcorp
Classification: Pathogenic for Deficiency of acetyl-CoA acetyltransferase. Last evaluated: 2022-04-12. Review status: criteria provided, single submitter. Criteria: Invitae Variant Classification Sherloc (09022015). Collection method: clinical testing. Allele origin: germline.
Comment: For these reasons, this variant has been classified as Pathogenic. ClinVar contains an entry for this variant (Variation ID: 1074893). This variant has not been reported in the literature in individuals affected with ACAT1-related conditions. This variant is not present in population databases (gnomAD no frequency). This sequence change creates a premature translational stop signal (p.Glu88Argfs*6) in the ACAT1 gene. It is expected to result in an absent or disrupted protein product. Loss-of-function variants in ACAT1 are known to be pathogenic (PMID: 7749408).

Fulgent Genetics
Classification: Likely pathogenic for Deficiency of acetyl-CoA acetyltransferase. Last evaluated: 2022-02-10. Review status: criteria provided, single submitter. Criteria: ACMG Guidelines, 2015. Collection method: clinical testing. Allele origin: unknown.

Literature cited by the submitters: PubMed 7749408 (cited by Labcorp Genetics (formerly Invitae), Labcorp).

NM_000019.4(ACAT1):c.261dup (p.Glu88fs)

Gene: ACAT1 (acetyl-CoA acetyltransferase 1; plus strand). Cytogenetic location: 11q22.3.
Variant type: Duplication.
Coding change: c.261dup on transcript NM_000019.4 (MANE Select); coding-DNA position 261, one base duplicated (A; older notation c.261dupA).
Protein change: p.Glu88fs; shifts the reading frame from glutamic acid 88.
Molecular consequence: frameshift variant. On other transcripts: 5 prime UTR variant (10), non-coding transcript variant (2), intron variant (1).
Genome position (GRCh38, 1-based): chr11:108,134,243, A duplicated; the last of 3 consecutive A bases (chr11:108,134,241-108,134,243); duplicating any one gives the same sequence. VCF-style (leftmost placement, unchanged base first): chr11-108134240-G-GA. GRCh37 (hg19) VCF-style: chr11-108004967-G-GA.
Other names: c.261dup, p.Glu88fs (NM_001386677.1); c.-10dup (NM_001386687.1, NM_001386688.1, NM_001386689.1 and 6 more transcripts); c.-17dup (NM_001386679.1); c.120+2289dup (NM_001386678.1); short protein forms E88fs.
Identifiers: ClinVar variation 1074893 (VCV001074893.8), dbSNP rs1201662412, ClinGen allele CA671406956.